The following is an entry in ClinVar:

NM_001875.5(CPS1):c.1323dup (p.Asp442Ter)

Gene: CPS1 (carbamoyl-phosphate synthase 1; plus strand). Cytogenetic location: 2q34.
Variant type: Duplication.
Coding change: c.1323dup on transcript NM_001875.5 (MANE Select); coding-DNA position 1323, one base duplicated (T; older notation c.1323dupT).
Protein change: p.Asp442Ter; replaces aspartic acid 442 with a stop codon.
Molecular consequence: nonsense. On other transcripts: non-coding transcript variant (2).
Genome position (GRCh38, 1-based): chr2:210,595,546, T duplicated; the last of 3 consecutive T bases (chr2:210,595,544-210,595,546); duplicating any one gives the same sequence. VCF-style (leftmost placement, unchanged base first): chr2-210595543-A-AT. GRCh37 (hg19) VCF-style: chr2-211460267-A-AT.
Other names: c.1323dup (LRG_336t1); c.1323dupT (NM_001875.4); c.1323dup, p.Asp442Ter (NM_001122633.3, NM_001369257.1); c.1356dup, p.Asp453Ter (NM_001369256.1); short protein forms D442*, D453*.
Identifiers: ClinVar variation 557991 (VCV000557991.6), dbSNP rs1553511789, ClinGen allele CA658822045.
Genomic context (GRCh38, chr2:210,595,543, plus strand): 5'-ATAGGTTTCCAAAGTCCTTATTCTAGGATCAGGAGGTCTGTCCATTGGTCAGGCTGGAGA[A>AT]TTTGATTACTCAGGATCTCAAGCTGTAAAAGCCATGAAGGTGAGAGAATATGATCCTTAC-3'

ClinVar aggregate classification (germline): Pathogenic/Likely pathogenic. Review status: criteria provided, multiple submitters, no conflicts (2 of 4 stars). 3 submissions from 3 submitters: Pathogenic (1); Likely pathogenic (1). 1 of the submissions does not count toward it. Last evaluated 2025-09-05.

Conditions:
Congenital hyperammonemia, type I. Also called: Carbamoyl-phosphate synthase I deficiency; CPS I DEFICIENCY; Carbamoyl phosphate synthetase I deficiency disease; Carbamoyl phosphate synthetase 1 deficiency; Hyperammonemia due to carbamoyl phosphate synthetase 1 deficiency; CPS 1 deficiency. Identifiers: Orphanet 147, MedGen C4082171, MONDO:0009376, OMIM 237300.

Submissions (3):

Natera, Inc.
Classification: Likely pathogenic for Carbamoyl-phosphate synthase I deficiency. Last evaluated: 2025-09-05. Review status: criteria provided, single submitter. Criteria: Natera Variant Classification Schema (03/2026). Collection method: clinical testing. Allele origin: germline.
Comment: The c.1323dupT variant in CPS1 is a frameshift variant predicted to shift the reading frame and introduce a stop codon. This variant is expected to result in nonsense mediated decay, truncation, or a dysfunctional protein product. This variant is rare in the general population with a frequency below the threshold expected for the associated phenotype(s). Given the available evidence, this variant is classified as Likely Pathogenic.

Labcorp Genetics (formerly Invitae), Labcorp
Classification: Pathogenic for Congenital hyperammonemia, type I. Last evaluated: 2023-09-13. Review status: criteria provided, single submitter. Criteria: Invitae Variant Classification Sherloc (09022015). Collection method: clinical testing. Allele origin: germline.
Comment: This variant is not present in population databases (gnomAD no frequency). For these reasons, this variant has been classified as Pathogenic. ClinVar contains an entry for this variant (Variation ID: 557991). This variant has not been reported in the literature in individuals affected with CPS1-related conditions. This sequence change creates a premature translational stop signal (p.Asp442*) in the CPS1 gene. It is expected to result in an absent or disrupted protein product. Loss-of-function variants in CPS1 are known to be pathogenic (PMID: 21120950).

Counsyl
Classification: Likely pathogenic for Congenital hyperammonemia, type I. Last evaluated: 2018-04-23. Review status: no assertion criteria provided. Collection method: clinical testing. Allele origin: unknown. Not counted in ClinVar's aggregate classification.

Literature cited by the submitters: PubMed 21120950 (cited by Labcorp Genetics (formerly Invitae), Labcorp).